The following is an entry in ClinVar:

NM_001267550.2(TTN):c.101546T>C (p.Phe33849Ser)

Genes: TTN (titin; minus strand), TTN-AS1 (TTN antisense RNA 1; plus strand). Cytogenetic location: 2q31.2.
Variant type: single nucleotide variant.
Coding change: c.101546T>C on transcript NM_001267550.2 (MANE Select); coding-DNA position 101546, T replaced by C.
Protein change: p.Phe33849Ser; replaces phenylalanine 33849 with serine.
Molecular consequence: missense variant.
Genome position (GRCh38, 1-based): chr2:178,535,069, A>G on the plus strand (T>C on the coding strand, the complement: TTN is on the minus strand). VCF-style: chr2-178535069-A-G. GRCh37 (hg19) VCF-style: chr2-179399796-A-G.
Other names: c.96623T>C, p.Phe32208Ser (NM_001256850.1); c.74351T>C, p.Phe24784Ser (NM_003319.4); c.93842T>C, p.Phe31281Ser (NM_133378.4); c.74726T>C, p.Phe24909Ser (NM_133432.3); c.74927T>C, p.Phe24976Ser (NM_133437.4); short protein forms F32208S, F33849S, F24976S, F24784S, F24909S, F31281S.
Identifiers: ClinVar variation 515947 (VCV000515947.1), dbSNP rs1434361992, ClinGen allele CA349420473.

ClinVar aggregate classification (germline): Likely benign (1 of 4 stars; one submission).

Submission:

GeneDx
Classification: Likely benign. Last evaluated: 2018-03-05. Review status: criteria provided, single submitter. Criteria: GeneDx Variant Classification (06012015). Collection method: clinical testing. Allele origin: germline. Affected: yes.
Comment: This variant is considered likely benign or benign based on one or more of the following criteria: it is a conservative change, it occurs at a poorly conserved position in the protein, it is predicted to be benign by multiple in silico algorithms, and/or has population frequency not consistent with disease.